The following is an entry in ClinVar:

NM_022765.4(MICAL1):c.3093C>G (p.Asp1031Glu)

Gene: MICAL1 (microtubule associated monooxygenase, calponin and LIM domain containing 1; minus strand). Cytogenetic location: 6q21.
Variant type: single nucleotide variant.
Coding change: c.3093C>G on transcript NM_022765.4 (MANE Select); coding-DNA position 3093, C replaced by G.
Protein change: p.Asp1031Glu; replaces aspartic acid 1031 with glutamic acid.
Molecular consequence: missense variant.
Genome position (GRCh38, 1-based): chr6:109,444,302, G>C on the plus strand (C>G on the coding strand, the complement: MICAL1 is on the minus strand). VCF-style: chr6-109444302-G-C. GRCh37 (hg19) VCF-style: chr6-109765505-G-C.
Other names: c.2835C>G, p.Asp945Glu (NM_001159291.2); c.3150C>G, p.Asp1050Glu (NM_001286613.2); short protein forms D945E, D1031E, D1050E.
Identifiers: ClinVar variation 3682046 (VCV003682046.2).

ClinVar aggregate classification (germline): Uncertain significance (1 of 4 stars; one submission).

Submission:

Labcorp Genetics (formerly Invitae), Labcorp
Classification: Uncertain significance. Last evaluated: 2025-08-25. Review status: criteria provided, single submitter. Criteria: Invitae Variant Classification Sherloc (09022015). Collection method: clinical testing. Allele origin: germline.
Comment: This sequence change replaces aspartic acid, which is acidic and polar, with glutamic acid, which is acidic and polar, at codon 1050 of the MICAL1 protein (p.Asp1050Glu). This variant is not present in population databases (gnomAD no frequency). This variant has not been reported in the literature in individuals affected with MICAL1-related conditions. ClinVar contains an entry for this variant (Variation ID: 3682046). An algorithm developed to predict the effect of missense changes on protein structure and function outputs the following: PolyPhen-2: "Benign". The glutamic acid amino acid residue is found in multiple mammalian species, which suggests that this missense change does not adversely affect protein function. In summary, the available evidence is currently insufficient to determine the role of this variant in disease. Therefore, it has been classified as a Variant of Uncertain Significance.